The following is an entry in ClinVar:

NM_003924.4(PHOX2B):c.732_767dup (p.Ala260_Gly261insAlaAlaAlaAlaAlaAlaAlaAlaAlaAlaAlaAla)

Genes: PHOX2B (paired like homeobox 2B; minus strand), LOC110011216 (paired like homeobox 2b polyalanine repeat instability region; plus strand). Cytogenetic location: 4p13.
Variant type: Duplication.
Coding change: c.732_767dup on transcript NM_003924.4 (MANE Select); coding-DNA positions 732 to 767, 36 bases duplicated.
Protein change: p.Ala260_Gly261insAlaAlaAlaAlaAlaAlaAlaAlaAlaAlaAlaAla.
Molecular consequence: inframe insertion. On other transcripts: inframe indel (1).
Genome position (GRCh38, 1-based): chr4:41,745,985-41,746,020, 36 bases duplicated; duplicating any 36 consecutive bases within chr4:41,745,985-41,746,022 gives the same sequence; the c. name uses the placement nearest the transcript's 3' end. GRCh37 (hg19): chr4:41,748,004-41,748,039.
Other names: c.732_767dup36 (NM_003924.3).
Identifiers: ClinVar variation 3345118 (VCV003345118.1).

ClinVar aggregate classification (germline): Pathogenic (0 of 4 stars; one submission).

Conditions:
PHOX2B-related disorder. Also called: PHOX2B-related condition.

Submission:

PreventionGenetics, part of Exact Sciences
Classification: Pathogenic for PHOX2B-related condition. Last evaluated: 2024-09-05. Review status: no assertion criteria provided. Collection method: clinical testing. Allele origin: germline.
Comment: The PHOX2B c.732_767dup36 variant is predicted to result in an in-frame duplication (p.Ala249_Ala260dup). This duplication causes an expansion of the polyalanine repeat region from 20 alanine repeats (normal) to 32 repeats, which is consistent with a diagnosis of congenital central hypoventilation syndrome (Sasaki et al. 2003. PubMed ID: 14566559; Matera et al. 2004. PubMed ID: 15121777; Weese-Mayer et al. 2021. PubMed ID: 20301600). This variant is interpreted as pathogenic.